The following is an entry in ClinVar:

ClinVar aggregate classification (germline): Uncertain significance (1 of 4 stars; one submission).

Allele frequency attached by ClinVar (database versions not stated): gnomAD 0.00003; ExAC 0.00004; ESP Exome Variant Server 0.00008; 1000 Genomes Project 30x 0.00047; 1000 Genomes Project 0.00060; gnomAD exomes 0.00001; TOPMed 0.00001.
gnomAD v4.1: 22 of 1,517,974 alleles (0.0014%); highest among the groups gnomAD compares: East Asian, 0.014%; no homozygotes.

Submission:

Labcorp Genetics (formerly Invitae), Labcorp
Classification: Uncertain significance. Last evaluated: 2023-08-02. Review status: criteria provided, single submitter. Criteria: Invitae Variant Classification Sherloc (09022015). Collection method: clinical testing. Allele origin: germline.
Comment: In summary, the available evidence is currently insufficient to determine the role of this variant in disease. Therefore, it has been classified as a Variant of Uncertain Significance. An algorithm developed to predict the effect of missense changes on protein structure and function (PolyPhen-2) suggests that this variant¬†is likely to be tolerated. This variant has not been reported in the literature in individuals affected with TOP3A-related conditions. This variant is present in population databases (rs142891153, gnomAD 0.03%). This sequence change replaces methionine, which is neutral and non-polar, with valine, which is neutral and non-polar, at codon 729 of the TOP3A protein (p.Met729Val).

NM_004618.5(TOP3A):c.2185A>G (p.Met729Val)

Gene: TOP3A (DNA topoisomerase III alpha; minus strand). Cytogenetic location: 17p11.2.
Variant type: single nucleotide variant.
Coding change: c.2185A>G on transcript NM_004618.5 (MANE Select); coding-DNA position 2185, A replaced by G.
Protein change: p.Met729Val; replaces methionine 729 with valine.
Molecular consequence: missense variant.
Genome position (GRCh38, 1-based): chr17:18,278,317, T>C on the plus strand (A>G on the coding strand, the complement: TOP3A is on the minus strand). VCF-style: chr17-18278317-T-C. GRCh37 (hg19) VCF-style: chr17-18181631-T-C.
Other names: c.1900A>G, p.Met634Val (NM_001320759.2); short protein forms M634V, M729V.
Identifiers: ClinVar variation 2893858 (VCV002893858.1), dbSNP rs142891153, ClinGen allele CA8429664.